The following is an entry in ClinVar:

NM_022124.6(CDH23):c.4000C>T (p.Arg1334Trp)

Genes: C10orf105 (chromosome 10 open reading frame 105; minus strand), CDH23 (cadherin related 23; plus strand). Cytogenetic location: 10q22.1.
Variant type: single nucleotide variant.
Coding change: c.4000C>T on transcript NM_022124.6 (MANE Select); coding-DNA position 4000, C replaced by T.
Protein change: p.Arg1334Trp; replaces arginine 1334 with tryptophan.
Molecular consequence: missense variant. On other transcripts: intron variant (1).
Genome position (GRCh38, 1-based): chr10:71,732,271, C>T. VCF-style: chr10-71732271-C-T. GRCh37 (hg19) VCF-style: chr10-73492028-C-T.
Other names: c.4000C>T, p.Arg1334Trp (NM_001171930.2); c.-6+5457G>A (NM_001168390.2); short protein forms R1334W.
Identifiers: ClinVar variation 178685 (VCV000178685.20), dbSNP rs373276722, ClinGen allele CA182785.

ClinVar aggregate classification (germline): Uncertain significance. Review status: reviewed by expert panel (3 of 4 stars). 10 submissions from 10 submitters: Uncertain significance (1). 9 of the submissions do not count toward it. Last evaluated 2025-07-16.

Conditions:
Autosomal recessive nonsyndromic hearing loss 12. Also called: DEAFNESS, AUTOSOMAL RECESSIVE 12. Identifiers: Orphanet 90636, MedGen C1832394, MONDO:0011067, OMIM 601386.
Pituitary adenoma 5, multiple types. Identifiers: MedGen C4539685, MONDO:0054601, OMIM 617540.
Usher syndrome type 1D (USH1D). Also called: USHER SYNDROME, TYPE ID. Identifiers: Orphanet 231169, Orphanet 886, MedGen C1832845, MONDO:0010984, OMIM 601067.
Usher syndrome. Also called: Usher Syndromes; Usher's syndrome. Identifiers: Orphanet 886, MedGen CN469326, MeSH D052245, MONDO:0019501. Disease mechanism: loss of function.
CDH23-related disorder. Also called: CDH23-related condition; CDH23-related disorders.
Inborn genetic diseases. Identifiers: MedGen C0950123, MeSH D030342.
Usher syndrome type 1 (USH1). Also called: RETINITIS PIGMENTOSA AND CONGENITAL DEAFNESS. Identifiers: Orphanet 231169, Orphanet 886, MedGen C1568247, MONDO:0010168, OMIM 276900.

Allele frequency attached by ClinVar (database versions not stated): 1000 Genomes Project 0.00060; TOPMed 0.00028; gnomAD 0.00016; ESP Exome Variant Server 0.00008; 1000 Genomes Project 30x 0.00031.
gnomAD v4.1: 95 of 1,613,006 alleles (0.0059%); highest among the groups gnomAD compares: Admixed American, 0.053%; no homozygotes.

Submissions (10):

ClinGen Hearing Loss Variant Curation Expert Panel
Classification: Uncertain significance for Usher syndrome. Last evaluated: 2025-07-16. Review status: reviewed by expert panel. Criteria: Clingen Hl Acmg Specifications Cdh23 Coch Gjb2 Kcnq4 Myo6 Myo7a Slc26a4 Tecta Ush2a V2. Collection method: curation. Allele origin: germline. Inheritance: Autosomal recessive inheritance.
Comment: The c.4000C>T variant in CDH23 is a missense variant predicted to cause substitution of arginine by tryptophan at amino acid 1334. The filtering allele frequency of this variant in gnomAD v4.1 is 0.03882%, and the minor allele frequency is 0.05343% in the Admixed American population (PM2_Supporting, BA1, and BS1 not met). The computational predictor REVEL gives a score of 0.316, which is neither above nor below the thresholds predicting a damaging or benign impact on CDH23 function (BP4 and PP3 not met). This variant has been reported in 2 probands with nonsyndromic hearing loss, however, the evidence did not support a causative role for the variant. Additionally, the variant has been seen as a single heterozygous variant in 6 individuals undergoing testing for hearing loss in whom a second CDH23 variant was not identified. All of these individuals also had additional variants reported that were classified as either VUS, likely pathogenic, or pathogenic (PM3 not met; SCV000297305.2, SCV000205132.4, SCV001822517.3). In summary, this variant has been classified as a variant of uncertain significance for autosomal recessive Usher syndrome based on the ACMG/AMP criteria applied, as specified by the ClinGen Hearing Loss VCEP: No criteria met (ClinGen Hearing Loss VCEP specifications version 2; 7/16/2025).

PreventionGenetics, part of Exact Sciences
Classification: Uncertain significance for CDH23-related condition. Last evaluated: 2026-08-24. Review status: criteria provided, single submitter. Criteria: ACMG Guidelines, 2015. Collection method: clinical testing. Allele origin: germline. Not counted in ClinVar's aggregate classification.
Comment: The CDH23 c.4000C>T variant is predicted to result in the amino acid substitution p.Arg1334Trp. To our knowledge, this variant has not been reported in the literature. This variant is reported in 0.014% of alleles in individuals of Latino descent in gnomAD. At this time, the clinical significance of this variant is uncertain due to the absence of conclusive functional and genetic evidence.

GeneDx
Classification: Uncertain significance. Last evaluated: 2025-12-06. Review status: criteria provided, single submitter. Criteria: GeneDx Variant Classification Process June 2021. Collection method: clinical testing. Allele origin: germline. Affected: yes. Not counted in ClinVar's aggregate classification.
Comment: In silico analysis supports that this missense variant has a deleterious effect on protein structure/function; Has not been previously published as pathogenic or benign to our knowledge

Ambry Genetics
Classification: Uncertain significance for Inborn genetic diseases. Last evaluated: 2025-08-03. Review status: criteria provided, single submitter. Criteria: Ambry Variant Classification Scheme 2023. Collection method: clinical testing. Allele origin: germline. Not counted in ClinVar's aggregate classification.

Blueprint Genetics
Classification: Uncertain significance. Last evaluated: 2022-12-21. Review status: criteria provided, single submitter. Criteria: ACMG Guidelines, 2015. Collection method: clinical testing. Allele origin: germline. Not counted in ClinVar's aggregate classification.

Labcorp Genetics (formerly Invitae), Labcorp
Classification: Uncertain significance. Last evaluated: 2022-09-06. Review status: criteria provided, single submitter. Criteria: Invitae Variant Classification Sherloc (09022015). Collection method: clinical testing. Allele origin: germline. Not counted in ClinVar's aggregate classification.
Comment: This sequence change replaces arginine, which is basic and polar, with tryptophan, which is neutral and slightly polar, at codon 1334 of the CDH23 protein (p.Arg1334Trp). The frequency data for this variant in the population databases is considered unreliable, as metrics indicate poor data quality at this position in the gnomAD database. This variant has not been reported in the literature in individuals affected with CDH23-related conditions. ClinVar contains an entry for this variant (Variation ID: 178685). Algorithms developed to predict the effect of missense changes on protein structure and function are either unavailable or do not agree on the potential impact of this missense change (SIFT: "Deleterious"; PolyPhen-2: "Not Available"; Align-GVGD: "Class C65"). In summary, the available evidence is currently insufficient to determine the role of this variant in disease. Therefore, it has been classified as a Variant of Uncertain Significance.

Laboratory for Molecular Medicine, Mass General Brigham Personalized Medicine
Classification: Uncertain significance. Last evaluated: 2019-11-18. Review status: criteria provided, single submitter. Criteria: LMM Criteria. Collection method: clinical testing. Allele origin: germline. Observed: 2 variant alleles. Not counted in ClinVar's aggregate classification.
Comment: The p.Arg1334Trp variant has been identified in 0.004% (13/278312) of the total chromosomes by gnomAD. Computational prediction tools and conservation analyses do not provide strong support for or against an impact to the protein. In summary, the clinical significance of this variant is uncertain. ACMG/AMP Criteria applied: None.

Fulgent Genetics
Classification: Uncertain significance for Usher syndrome type 1D; Autosomal recessive nonsyndromic hearing loss 12; Pituitary adenoma 5, multiple types. Last evaluated: 2018-10-31. Review status: criteria provided, single submitter. Criteria: ACMG Guidelines, 2015. Collection method: clinical testing. Allele origin: unknown. Not counted in ClinVar's aggregate classification.

Genomic Diagnostic Laboratory, Division of Genomic Diagnostics, Children's Hospital of Philadelphia
Classification: Uncertain significance. Last evaluated: 2015-10-31. Review status: criteria provided, single submitter. Criteria: DGD Variant Analysis Guidelines. Collection method: clinical testing. Allele origin: unknown. Not counted in ClinVar's aggregate classification.

Natera, Inc.
Classification: Uncertain significance for Usher syndrome type 1. Last evaluated: 2020-02-04. Review status: no assertion criteria provided. Collection method: clinical testing. Allele origin: germline. Not counted in ClinVar's aggregate classification.